The following is an entry in ClinVar:

ClinVar aggregate classification (germline): Pathogenic/Likely pathogenic. Review status: criteria provided, multiple submitters, no conflicts (2 of 4 stars). 3 submissions from 3 submitters: Pathogenic (2); Likely pathogenic (1). Last evaluated 2025-09-25.

Conditions:
Glucocorticoid deficiency with achalasia (AAAS). Also called: Achalasia-Addisonianism-Alacrima (Triple-A) Syndrome; ALACRIMA-ACHALASIA-ADRENAL INSUFFICIENCY NEUROLOGIC DISORDER; AAA syndrome; Allgrove syndrome; Addisonian achalasia syndrome; Triple-A syndrome. Identifiers: Orphanet 869, MedGen C0271742, MONDO:0009279, OMIM 231550.
AAAS-related disorder. Also called: AAAS-related condition.

Allele frequency attached by ClinVar (database versions not stated): gnomAD exomes below 0.00001; TOPMed 0.00001.

Submissions (3):

Women's Health and Genetics/Laboratory Corporation of America, LabCorp
Classification: Pathogenic for Glucocorticoid deficiency with achalasia. Last evaluated: 2025-09-25. Review status: criteria provided, single submitter. Criteria: LabCorp Variant Classification Summary - May 2015. Collection method: clinical testing. Allele origin: germline.
Comment: Variant summary: AAAS c.479A>G (p.His160Arg) results in a non-conservative amino acid change in the encoded protein sequence. Algorithms developed to predict the effect of missense changes on protein structure and function all suggest that this variant is likely to be disruptive. The frequency data for this variant in gnomAD is considered unreliable, as metrics indicate poor data quality at this position. c.479A>G has been observed as homozygous and compound heterozygous in multiple individuals affected with Glucocorticoid Deficiency With Achalasia (e.g., Handschug_2001, Kunte_2011, Milenkovic_2010). These data indicate that the variant is very likely to be associated with disease. At least one publication reports experimental evidence evaluating an impact on protein localization (e.g., Krumbholz_2006), demonstrating that this variant causes mislocalization of the protein. The following publications have been ascertained in the context of this evaluation (PMID: 11159947, 21445602, 16609705, 20499090). ClinVar contains an entry for this variant (Variation ID: 2735892). Based on the evidence outlined above, the variant was classified as pathogenic.

Labcorp Genetics (formerly Invitae), Labcorp
Classification: Pathogenic. Last evaluated: 2023-10-07. Review status: criteria provided, single submitter. Criteria: Invitae Variant Classification Sherloc (09022015). Collection method: clinical testing. Allele origin: germline.
Comment: This sequence change replaces histidine, which is basic and polar, with arginine, which is basic and polar, at codon 160 of the AAAS protein (p.His160Arg). This variant is not present in population databases (gnomAD no frequency). This missense change has been observed in individuals with triple A syndrome (PMID: 11159947, 20499090, 21445602). Advanced modeling of protein sequence and biophysical properties (such as structural, functional, and spatial information, amino acid conservation, physicochemical variation, residue mobility, and thermodynamic stability) performed at Invitae indicates that this missense variant is expected to disrupt AAAS protein function. Experimental studies have shown that this missense change affects AAAS function (PMID: 15666842, 16609705). For these reasons, this variant has been classified as Pathogenic.

Blueprint Genetics
Classification: Likely pathogenic for AAAS-related disorders. Last evaluated: 2023-09-06. Review status: criteria provided, single submitter. Criteria: ACMG Guidelines, 2015. Collection method: clinical testing. Allele origin: germline. Affected: yes. Observed: 2 variant alleles.

Literature cited by the submitters: PubMed 11159947 (cited by Women's Health and Genetics/Laboratory Corporation of America, LabCorp and Labcorp Genetics (formerly Invitae), Labcorp); PubMed 16609705 (cited by Women's Health and Genetics/Laboratory Corporation of America, LabCorp and Labcorp Genetics (formerly Invitae), Labcorp); PubMed 21445602 (cited by Women's Health and Genetics/Laboratory Corporation of America, LabCorp and Labcorp Genetics (formerly Invitae), Labcorp); PubMed 20499090 (cited by Women's Health and Genetics/Laboratory Corporation of America, LabCorp and Labcorp Genetics (formerly Invitae), Labcorp); PubMed 15666842 (cited by Labcorp Genetics (formerly Invitae), Labcorp).

NM_015665.6(AAAS):c.479A>G (p.His160Arg)

Gene: AAAS (aladin WD repeat nucleoporin; minus strand). Cytogenetic location: 12q13.13.
Variant type: single nucleotide variant.
Coding change: c.479A>G on transcript NM_015665.6 (MANE Select); coding-DNA position 479, A replaced by G.
Protein change: p.His160Arg; replaces histidine 160 with arginine.
Molecular consequence: missense variant. On other transcripts: intron variant (1).
Genome position (GRCh38, 1-based): chr12:53,314,817, T>C on the plus strand (A>G on the coding strand, the complement: AAAS is on the minus strand). VCF-style: chr12-53314817-T-C. GRCh37 (hg19) VCF-style: chr12-53708601-T-C.
Other names: c.446+277A>G (NM_001173466.2); short protein forms H160R.
Identifiers: ClinVar variation 2735892 (VCV002735892.5), dbSNP rs1297831120, ClinGen allele CA385043710.